The following is an entry in ClinVar:

ClinVar aggregate classification (germline): Uncertain significance (1 of 4 stars; one submission).

gnomAD v4.1: 4 of 152,212 alleles (0.0026%); highest among the groups gnomAD compares: Admixed American, 0.0065%; no homozygotes.

Submission:

Institute for Human Genetics, University Hospital Essen
Classification: Uncertain significance. Last evaluated: 2025-11-27. Review status: criteria provided, single submitter. Criteria: Submitter's publication. Collection method: clinical testing. Allele origin: inherited. Inheritance: Autosomal unknown. Affected: yes. Observed: 1 variant allele, 1 compound heterozygote.
Comment: PM1_supp, PM2_supp (criteria rationale detailed in Leitão et al. Nature Genetics 2026)

NR_199791.1(RNU2-2):n.48A>C

Genes: RNU2-2 (RNA, U2 small nuclear 2; minus strand), WDR74 (WD repeat domain 74; minus strand). Cytogenetic location: 11q12.3.
Variant type: single nucleotide variant.
Molecular consequence: non-coding transcript variant (on NR_199791.1). On other transcripts: 5 prime UTR variant (1).
Genome position: GRCh38 VCF-style: chr11-62841762-T-G. GRCh37 (hg19) VCF-style: chr11-62609234-T-G.
Other names: c.-491A>C (NM_001369451.1).
Identifiers: ClinVar variation 4540482 (VCV004540482.1).